The following is an entry in ClinVar:

ClinVar aggregate classification (germline): Conflicting classifications of pathogenicity. Review status: criteria provided, conflicting classifications (1 of 4 stars). 8 submissions from 8 submitters: Pathogenic (2); Likely pathogenic (3); Uncertain significance (1). 2 of the submissions do not count toward it. Last evaluated 2026-05-22.

Conditions:
Hereditary nonpolyposis colon cancer (HNPCC). Also called: Hereditary nonpolyposis colorectal cancer; Familial nonpolyposis colon cancer; Hereditary Nonpolyposis Colorectal Cancer Syndrome. Identifiers: Orphanet 443909, MedGen C1333990, MONDO:0018630. Disease mechanism: loss of function.
Hereditary nonpolyposis colorectal neoplasms. Identifiers: MedGen C0009405, MeSH D003123.
Lynch syndrome 5 (LYNCH5). Also called: Colorectal cancer, hereditary nonpolyposis, type 5; Hereditary non-polyposis colorectal cancer, type 5. Identifiers: Orphanet 144, MedGen C1833477, MONDO:0013710, OMIM 614350. Disease mechanism: loss of function.
Hereditary cancer-predisposing syndrome. Also called: Neoplastic Syndromes, Hereditary; Hereditary neoplastic syndrome; Hereditary Cancer Syndrome; Tumor predisposition. Identifiers: Orphanet 140162, MedGen C0027672, MeSH D009386, MONDO:0015356.
MSH6-related disorder. Also called: MSH6-related condition; MSH6-Related disorders.

Submissions (8):

Women's Health and Genetics/Laboratory Corporation of America, LabCorp
Classification: Pathogenic for Hereditary nonpolyposis colon cancer. Last evaluated: 2026-05-22. Review status: criteria provided, single submitter. Criteria: LabCorp Variant Classification Summary - May 2015. Collection method: clinical testing. Allele origin: germline.
Comment: Variant summary: MSH6 c.3173-10_3173-6delCTTTT alters a nucleotide located at a position not widely known to affect splicing. Consensus agreement among computation tools predict no significant impact on normal splicing. However, experimental evidence indicates that this variant affects mRNA splicing, resulting in a non-functional protein and/or premature termination codon (internal data). The variant allele was found at a frequency of 4e-06 in 251318 control chromosomes. c.3173-10_3173-6delCTTTT has been observed in individual(s) affected with Lynch syndrome (internal data and external communication). ClinVar contains an entry for this variant (Variation ID: 420284). Based on the evidence outlined above, the variant was classified as pathogenic.

Labcorp Genetics (formerly Invitae), Labcorp
Classification: Pathogenic for Hereditary nonpolyposis colorectal neoplasms. Last evaluated: 2026-01-20. Review status: criteria provided, single submitter. Criteria: Invitae Variant Classification Sherloc (09022015). Collection method: clinical testing. Allele origin: germline.
Comment: This sequence change falls in intron 4 of the MSH6 gene. It does not directly change the encoded amino acid sequence of the MSH6 protein. RNA analysis indicates that this variant induces altered splicing and may result in an absent or altered protein product. This variant is present in population databases (rs781520783, gnomAD 0.004%). This variant has been observed in individuals with Lynch syndrome (external communication, internal data). ClinVar contains an entry for this variant (Variation ID: 420284). Studies have shown that this variant results in activation of a cryptic splice site, and produces a non-functional protein and/or introduces a premature termination codon (internal data). For these reasons, this variant has been classified as Pathogenic.

Ambry Genetics
Classification: Likely pathogenic for Hereditary cancer-predisposing syndrome. Last evaluated: 2025-06-16. Review status: criteria provided, single submitter. Criteria: Ambry Variant Classification Scheme 2023. Collection method: clinical testing. Allele origin: germline.
Comment: The c.3173-10_3173-6delCTTTT intronic variant, located in intron 4 of the MSH6 gene, results from a deletion of 5 nucleotides within intron 4 of the MSH6 gene. This variant has been identified in a proband(s) who met Amsterdam I/II criteria for Lynch syndrome and whose tumor demonstrated high microsatellite instability (Ambry internal data). This variant has also been identified in a proband(s) whose Lynch syndrome-associated tumor demonstrated loss of MSH6 expression by immunohistochemistry (Ambry internal data). These nucleotide positions are not well conserved in available vertebrate species. In silico splice site analysis predicts that this alteration may weaken the native splice acceptor site and may result in the creation or strengthening of a novel splice acceptor site. RNA studies have demonstrated that this alteration results in abnormal splicing in the set of samples tested (Ambry internal data). Based on the majority of available evidence to date, this variant is likely to be pathogenic.

Color Diagnostics, LLC DBA Color Health
Classification: Likely pathogenic for Hereditary cancer-predisposing syndrome. Last evaluated: 2025-04-28. Review status: criteria provided, single submitter. Criteria: ACMG Guidelines, 2015. Collection method: clinical testing. Allele origin: germline.
Comment: This variant causes a 5-basepair deletion in the polypyrimidine region in intron 4 splice acceptor site of the MSH6 gene. Splice site prediction tools suggest that this variant may impact the splice acceptor site and result in aberrant RNA splicing. RNA studies have demonstrated this variant results in abnormal splicing (ClinVar SCV002610175.3, communication with Ambry Genetics). This variant has been reported in multiple individuals affected with Lynch syndrome (ClinVar SCV002610175.3, SCV000254306.9), with some having tumor data demonstrating high microsatellite instability or loss of MSH6 protein on immunohistochemistry. This variant has been identified in 1/251318 chromosomes in the general population by the Genome Aggregation Database (gnomAD). Loss of MSH6 function is a known mechanism of disease. Based on the available evidence, this variant is classified as Likely Pathogenic.

GeneDx
Classification: Likely pathogenic. Last evaluated: 2024-03-14. Review status: criteria provided, single submitter. Criteria: GeneDx Variant Classification Process June 2021. Collection method: clinical testing. Allele origin: germline. Affected: yes.
Comment: Non-canonical splice variant demonstrated to result in aberrant splicing (External communication with Ambry Genetics and Invitae); Not observed at a significant frequency in large population cohorts (gnomAD); Has not been previously published as pathogenic or benign to our knowledge

Myriad Genetics, Inc.
Classification: Uncertain significance for Lynch syndrome 5. Last evaluated: 2023-03-27. Review status: criteria provided, single submitter. Criteria: Myriad Autosomal Dominant, Autosomal Recessive and X-Linked Classification Criteria (2023). Collection method: clinical testing. Allele origin: unknown.
Comment: This variant is classified as a variant of uncertain significance as there is insufficient evidence to determine its impact on protein function and/or cancer risk.

PreventionGenetics, part of Exact Sciences
Classification: Likely benign for MSH6-related condition. Last evaluated: 2019-05-22. Review status: no assertion criteria provided. Collection method: clinical testing. Allele origin: germline. Not counted in ClinVar's aggregate classification.
Comment: This variant is classified as likely benign based on ACMG/AMP sequence variant interpretation guidelines (Richards et al. 2015 PMID: 25741868, with internal and published modifications).

Counsyl
Classification: Likely benign for Lynch syndrome 5. Last evaluated: 2018-02-08. Review status: no assertion criteria provided. Collection method: clinical testing. Allele origin: unknown. Not counted in ClinVar's aggregate classification.

NM_000179.3(MSH6):c.3173-10_3173-6del

Gene: MSH6 (mutS homolog 6; plus strand). Cytogenetic location: 2p16.3.
Variant type: Deletion.
Coding change: c.3173-10_3173-6del on transcript NM_000179.3 (MANE Select); 10 bases into the intron before coding-DNA position 3173 through 6 bases into the intron before coding-DNA position 3173, 5 bases deleted (CTTTT; older notation c.3173-10_3173-6delCTTTT).
Molecular consequence: intron variant.
Genome position (GRCh38, 1-based): chr2:47,803,410-47,803,414, CTTTT deleted; deleting any 5 consecutive bases within chr2:47,803,409-47,803,414 gives the same sequence; the c. name uses the placement nearest the transcript's 3' end. VCF-style (leftmost placement, unchanged base first): chr2-47803408-CTCTTT-C. GRCh37 (hg19) VCF-style: chr2-48030547-CTCTTT-C.
Other names: c.3173-10_3173-6delCTTTT (NM_000179.2, NM_000179.3); c.2267-10_2267-6del (NM_001281493.2, NM_001281494.2); c.2783-10_2783-6del (NM_001281492.2).
Identifiers: ClinVar variation 420284 (VCV000420284.31), dbSNP rs781520783, ClinGen allele CA070260.